The following is an entry in ClinVar:

NM_001818.5(AKR1C4):c.827G>A (p.Arg276Gln)

Gene: AKR1C4 (aldo-keto reductase family 1 member C4; plus strand). Cytogenetic location: 10p15.1.
Variant type: single nucleotide variant.
Coding change: c.827G>A on transcript NM_001818.5 (MANE Select); coding-DNA position 827, G replaced by A.
Protein change: p.Arg276Gln; replaces arginine 276 with glutamine.
Molecular consequence: missense variant.
Genome position (GRCh38, 1-based): chr10:5,213,140, G>A. VCF-style: chr10-5213140-G-A. GRCh37 (hg19) VCF-style: chr10-5255103-G-A.
Other names: short protein forms R276Q.
Identifiers: ClinVar variation 4977163 (VCV004977163.1).

ClinVar aggregate classification (germline): Uncertain significance (1 of 4 stars; one submission).

Conditions:
AKR1C4-related disorder. Also called: AKR1C4-related condition.

gnomAD v4.1: 144 of 1,613,750 alleles (0.0089%); highest among the groups gnomAD compares: South Asian, 0.064%; no homozygotes.

Submission:

PreventionGenetics, part of Exact Sciences
Classification: Uncertain significance for AKR1C4-related condition. Last evaluated: 2026-06-03. Review status: criteria provided, single submitter. Criteria: ACMG Guidelines, 2015. Collection method: clinical testing. Allele origin: germline.
Comment: The AKR1C4 c.827G>A variant is predicted to result in the amino acid substitution p.Arg276Gln. To our knowledge, this variant has not been reported in the literature. This variant is reported in 0.078% of alleles in individuals of South Asian descent in gnomAD. This variant is not reported in the ClinVar database. At this time, the clinical significance of this variant is uncertain due to the absence of conclusive functional and genetic evidence.